The following is an entry in ClinVar:

ClinVar aggregate classification (germline): Likely benign (1 of 4 stars; one submission).

Allele frequency attached by ClinVar (database versions not stated): gnomAD exomes below 0.00001.
gnomAD v4.1: 3 of 1,599,516 alleles (0.00019%); highest among the groups gnomAD compares: African/African-American, 0.0027%; no homozygotes.

Submission:

CeGaT Center for Human Genetics Tuebingen
Classification: Likely benign. Last evaluated: 2024-05-01. Review status: criteria provided, single submitter. Criteria: CeGaT Center For Human Genetics Tuebingen Variant Classification Criteria Version 2. Collection method: clinical testing. Allele origin: germline. Affected: yes. Observed: 1 variant allele.
Comment: KMT2B: BP4, BP7

NM_014727.3(KMT2B):c.2025A>G (p.Glu675=)

Gene: KMT2B (lysine methyltransferase 2B; plus strand). Cytogenetic location: 19q13.12.
Variant type: single nucleotide variant.
Coding change: c.2025A>G on transcript NM_014727.3 (MANE Select); coding-DNA position 2025, A replaced by G.
Protein change: p.Glu675=; no amino-acid change (glutamic acid 675 retained).
Molecular consequence: synonymous variant.
Genome position (GRCh38, 1-based): chr19:35,721,372, A>G. VCF-style: chr19-35721372-A-G. GRCh37 (hg19) VCF-style: chr19-36212274-A-G.
Identifiers: ClinVar variation 3239500 (VCV003239500.19), dbSNP rs1969199913.